The following is an entry in ClinVar:

ClinVar aggregate classification (germline): Uncertain significance. Review status: criteria provided, multiple submitters, no conflicts (2 of 4 stars). 2 submissions from 2 submitters: Uncertain significance (2). Last evaluated 2025-09-23.

Conditions:
Hereditary cancer-predisposing syndrome. Also called: Hereditary Cancer Syndrome; Hereditary neoplastic syndrome; Neoplastic Syndromes, Hereditary; Tumor predisposition. Identifiers: Orphanet 140162, MedGen C0027672, MeSH D009386, MONDO:0015356.

gnomAD v4.1: 6 of 1,613,942 alleles (0.00037%); highest among the groups gnomAD compares: Non-Finnish European, 0.00051%; no homozygotes.

Submissions (2):

Color Diagnostics, LLC DBA Color Health
Classification: Uncertain significance for Hereditary cancer-predisposing syndrome. Last evaluated: 2025-09-23. Review status: criteria provided, single submitter. Criteria: ACMG Guidelines, 2015. Collection method: clinical testing. Allele origin: germline.
Comment: This missense variant replaces glutamic acid with glutamine at codon 2688 of the APC protein. Computational prediction suggests that this variant may not impact protein structure and function. APC is defined as a gene for which primarily truncating variants are known to cause disease (ClinGen HCCP VCEP). To our knowledge, functional studies have not been reported for this variant. This variant has not been reported in individuals affected with APC-related disorders in the literature. This variant has not been identified in the general population by the Genome Aggregation Database (gnomAD). The available evidence is insufficient to determine the role of this variant in disease conclusively. Therefore, this variant is classified as a Variant of Uncertain Significance.

Ambry Genetics
Classification: Uncertain significance for Hereditary cancer-predisposing syndrome. Last evaluated: 2025-03-15. Review status: criteria provided, single submitter. Criteria: Ambry Variant Classification Scheme 2023. Collection method: clinical testing. Allele origin: germline.
Comment: The p.E2688Q variant (also known as c.8062G>C), located in coding exon 15 of the APC gene, results from a G to C substitution at nucleotide position 8062. The glutamic acid at codon 2688 is replaced by glutamine, an amino acid with highly similar properties. This amino acid position is conserved. In addition, in silico predictors for this gene do not accurately predict pathogenicity. Based on the available evidence, the clinical significance of this variant remains unclear.

NM_000038.6(APC):c.8062G>C (p.Glu2688Gln)

Gene: APC (APC regulator of Wnt signaling pathway; plus strand). Cytogenetic location: 5q22.2.
Variant type: single nucleotide variant.
Coding change: c.8062G>C on transcript NM_000038.6 (MANE Select); coding-DNA position 8062, G replaced by C.
Protein change: p.Glu2688Gln; replaces glutamic acid 2688 with glutamine.
Molecular consequence: missense variant. On other transcripts: non-coding transcript variant (2).
Genome position (GRCh38, 1-based): chr5:112,843,656, G>C. VCF-style: chr5-112843656-G-C. GRCh37 (hg19) VCF-style: chr5-112179353-G-C.
Other names: c.7213G>C, p.Glu2405Gln (NM_001354906.2, NM_001407470.1); c.8062G>C, p.Glu2688Gln (NM_001127510.3, NM_001354895.2, NM_001407450.1); c.8008G>C, p.Glu2670Gln (NM_001127511.3); c.8116G>C, p.Glu2706Gln (NM_001354896.2, NM_001407447.1, NM_001407448.1 and 1 more transcripts); c.8092G>C, p.Glu2698Gln (NM_001354897.2); c.7987G>C, p.Glu2663Gln (NM_001354898.2); c.7978G>C, p.Glu2660Gln (NM_001354899.2); c.7939G>C, p.Glu2647Gln (NM_001354900.2); and 11 more; short protein forms E2528Q, E2587Q, E2405Q, E2562Q, E2660Q, E2678Q, E2681Q, E2698Q.
Identifiers: ClinVar variation 3926829 (VCV003926829.2).